The following is an entry in ClinVar:

ClinVar aggregate classification (germline): Uncertain significance. Review status: criteria provided, multiple submitters, no conflicts (2 of 4 stars). 5 submissions from 5 submitters: Uncertain significance (5). Last evaluated 2024-09-21.

Conditions:
Inborn genetic diseases. Identifiers: MedGen C0950123, MeSH D030342.
Multiple acyl-CoA dehydrogenase deficiency (MADD). Also called: Glutaric aciduria, type 2; Glutaric Acidemia type 2; ETHYLMALONIC-ADIPICACIDURIA; GA II; Glutaric acidemia type II; GA 2. Identifiers: Orphanet 26791, MedGen C0268596, MONDO:0009282, OMIM 231680.

Allele frequency attached by ClinVar (database versions not stated): ExAC 0.00004; gnomAD exomes 0.00006 and 0.00016; ESP Exome Variant Server 0.00008; TOPMed 0.00008; gnomAD 0.00010 and 0.00011.
gnomAD v4.1: 263 of 1,613,784 alleles (0.016%); highest among the groups gnomAD compares: Non-Finnish European, 0.02%; no homozygotes.

Submissions (5):

Blueprint Genetics
Classification: Uncertain significance. Last evaluated: 2024-09-21. Review status: criteria provided, single submitter. Criteria: ACMG Guidelines, 2015. Collection method: clinical testing. Allele origin: germline.

Mayo Clinic Laboratories, Mayo Clinic
Classification: Uncertain significance. Last evaluated: 2023-12-13. Review status: criteria provided, single submitter. Criteria: ACMG Guidelines, 2015. Collection method: clinical testing. Allele origin: germline. Observed: 2 variant alleles.

Revvity Omics, Revvity
Classification: Uncertain significance for Multiple acyl-CoA dehydrogenase deficiency. Last evaluated: 2022-07-27. Review status: criteria provided, single submitter. Criteria: ACMG Guidelines, 2015. Collection method: clinical testing. Allele origin: germline.

Labcorp Genetics (formerly Invitae), Labcorp
Classification: Uncertain significance for Multiple acyl-CoA dehydrogenase deficiency. Last evaluated: 2022-03-17. Review status: criteria provided, single submitter. Criteria: Invitae Variant Classification Sherloc (09022015). Collection method: clinical testing. Allele origin: germline.
Comment: This sequence change replaces isoleucine, which is neutral and non-polar, with leucine, which is neutral and non-polar, at codon 14 of the ETFB protein (p.Ile14Leu). This variant is present in population databases (rs148261223, gnomAD 0.01%). This variant has not been reported in the literature in individuals affected with ETFB-related conditions. Algorithms developed to predict the effect of missense changes on protein structure and function are either unavailable or do not agree on the potential impact of this missense change (SIFT: "Tolerated"; PolyPhen-2: "Probably Damaging"; Align-GVGD: "Class C0"). In summary, the available evidence is currently insufficient to determine the role of this variant in disease. Therefore, it has been classified as a Variant of Uncertain Significance.

Ambry Genetics
Classification: Uncertain significance for Inborn genetic diseases. Last evaluated: 2021-07-23. Review status: criteria provided, single submitter. Criteria: Ambry Variant Classification Scheme 2023. Collection method: clinical testing. Allele origin: germline.

NM_001985.3(ETFB):c.40A>C (p.Ile14Leu)

Gene: ETFB (electron transfer flavoprotein subunit beta; minus strand). Cytogenetic location: 19q13.41.
Variant type: single nucleotide variant.
Coding change: c.40A>C on transcript NM_001985.3 (MANE Select); coding-DNA position 40, A replaced by C.
Protein change: p.Ile14Leu; replaces isoleucine 14 with leucine.
Molecular consequence: missense variant.
Genome position (GRCh38, 1-based): chr19:51,366,287, T>G on the plus strand (A>C on the coding strand, the complement: ETFB is on the minus strand). VCF-style: chr19-51366287-T-G. GRCh37 (hg19) VCF-style: chr19-51869541-T-G.
Other names: p.Ile14Leu; c.40A>C (NM_001985.2); short protein forms I14L.
Identifiers: ClinVar variation 1432891 (VCV001432891.8), dbSNP rs148261223, ClinGen allele CA9610957.